The following is an entry in ClinVar:

ClinVar aggregate classification (germline): Uncertain significance (1 of 4 stars; one submission).

Allele frequency attached by ClinVar (database versions not stated): TOPMed below 0.00001; gnomAD exomes 0.00001 and 0.00002.
gnomAD v4.1: 5 of 1,614,012 alleles (0.00031%); highest among the groups gnomAD compares: Admixed American, 0.0083%; no homozygotes.

Submission:

GeneDx
Classification: Uncertain significance. Last evaluated: 2019-11-04. Review status: criteria provided, single submitter. Criteria: GeneDx Variant Classification Process June 2021. Collection method: clinical testing. Allele origin: germline. Affected: yes.
Comment: Has not been previously published as pathogenic or benign to our knowledge; In silico analysis, which includes protein predictors and evolutionary conservation, supports that this variant does not alter protein structure/function

NM_004415.4(DSP):c.3409A>G (p.Asn1137Asp)

Gene: DSP (desmoplakin; plus strand). Cytogenetic location: 6p24.3.
Variant type: single nucleotide variant.
Coding change: c.3409A>G on transcript NM_004415.4 (MANE Select); coding-DNA position 3409, A replaced by G.
Protein change: p.Asn1137Asp; replaces asparagine 1137 with aspartic acid.
Molecular consequence: missense variant.
Genome position (GRCh38, 1-based): chr6:7,579,599, A>G. VCF-style: chr6-7579599-A-G. GRCh37 (hg19) VCF-style: chr6-7579832-A-G.
Other names: c.3409A>G, p.Asn1137Asp (NM_001008844.3, NM_001319034.2); short protein forms N1137D.
Identifiers: ClinVar variation 1181851 (VCV001181851.2), dbSNP rs1302379717, ClinGen allele CA362683982.